The following is an entry in ClinVar:

NM_017617.5(NOTCH1):c.2587+103T>C

Gene: NOTCH1 (notch receptor 1; minus strand). Cytogenetic location: 9q34.3.
Variant type: single nucleotide variant.
Coding change: c.2587+103T>C on transcript NM_017617.5 (MANE Select); 103 bases into the intron after coding-DNA position 2587, T replaced by C.
Molecular consequence: intron variant.
Genome position (GRCh38, 1-based): chr9:136,511,049, A>G on the plus strand (T>C on the coding strand, the complement: NOTCH1 is on the minus strand). VCF-style: chr9-136511049-A-G. GRCh37 (hg19) VCF-style: chr9-139405501-A-G.
Identifiers: ClinVar variation 678140 (VCV000678140.1), dbSNP rs9411206, ClinGen allele CA13041485.

ClinVar aggregate classification (germline): Benign (1 of 4 stars; one submission).

Allele frequency attached by ClinVar (database versions not stated): TOPMed 0.68901; gnomAD 0.68994; 1000 Genomes Project 0.75040; 1000 Genomes Project 30x 0.75312.
gnomAD v4.1: 914,296 of 1,555,230 alleles (59%); highest among the groups gnomAD compares: African/African-American, 89%; 276,304 homozygotes.

Submission:

GeneDx
Classification: Benign. Last evaluated: 2018-06-14. Review status: criteria provided, single submitter. Criteria: GeneDx Variant Classification (06012015). Collection method: clinical testing. Allele origin: germline. Affected: yes.
Comment: This variant is considered likely benign or benign based on one or more of the following criteria: it is a conservative change, it occurs at a poorly conserved position in the protein, it is predicted to be benign by multiple in silico algorithms, and/or has population frequency not consistent with disease.